The following is an entry in ClinVar:

NM_004733.4(SLC33A1):c.1223T>C (p.Ile408Thr)

Gene: SLC33A1 (solute carrier family 33 member 1; minus strand). Cytogenetic location: 3q25.31.
Variant type: single nucleotide variant.
Coding change: c.1223T>C on transcript NM_004733.4 (MANE Select); coding-DNA position 1223, T replaced by C.
Protein change: p.Ile408Thr; replaces isoleucine 408 with threonine.
Molecular consequence: missense variant. On other transcripts: intron variant (1).
Genome position (GRCh38, 1-based): chr3:155,833,511, A>G on the plus strand (T>C on the coding strand, the complement: SLC33A1 is on the minus strand). VCF-style: chr3-155833511-A-G. GRCh37 (hg19) VCF-style: chr3-155551300-A-G.
Other names: c.1223T>C, p.Ile408Thr (NM_001190992.2); c.960+346T>C (NM_001363883.1); short protein forms I408T.
Identifiers: ClinVar variation 2174653 (VCV002174653.4), dbSNP rs749286995, ClinGen allele CA2677280.

ClinVar aggregate classification (germline): Uncertain significance (1 of 4 stars; one submission).

Conditions:
Spastic paraplegia. Identifiers: MedGen C0037772, HP:0001258.

Allele frequency attached by ClinVar (database versions not stated): gnomAD 0.00001; gnomAD exomes 0.00001; ExAC 0.00002; TOPMed 0.00002.
gnomAD v4.1: 8 of 1,601,074 alleles (0.0005%); highest among the groups gnomAD compares: Admixed American, 0.013%; no homozygotes.

Submission:

Labcorp Genetics (formerly Invitae), Labcorp
Classification: Uncertain significance for Spastic paraplegia. Last evaluated: 2022-08-23. Review status: criteria provided, single submitter. Criteria: Invitae Variant Classification Sherloc (09022015). Collection method: clinical testing. Allele origin: germline.
Comment: In summary, the available evidence is currently insufficient to determine the role of this variant in disease. Therefore, it has been classified as a Variant of Uncertain Significance. Algorithms developed to predict the effect of missense changes on protein structure and function (SIFT, PolyPhen-2, Align-GVGD) all suggest that this variant is likely to be tolerated. This variant has not been reported in the literature in individuals affected with SLC33A1-related conditions. This variant is present in population databases (rs749286995, gnomAD 0.02%). This sequence change replaces isoleucine, which is neutral and non-polar, with threonine, which is neutral and polar, at codon 408 of the SLC33A1 protein (p.Ile408Thr).